The following is an entry in ClinVar:

NM_002168.4(IDH2):c.827C>T (p.Thr276Ile)

Gene: IDH2 (isocitrate dehydrogenase (NADP(+)) 2; minus strand). Cytogenetic location: 15q26.1.
Variant type: single nucleotide variant.
Coding change: c.827C>T on transcript NM_002168.4 (MANE Select); coding-DNA position 827, C replaced by T.
Protein change: p.Thr276Ile; replaces threonine 276 with isoleucine.
Molecular consequence: missense variant.
Genome position (GRCh38, 1-based): chr15:90,087,252, G>A on the plus strand (C>T on the coding strand, the complement: IDH2 is on the minus strand). VCF-style: chr15-90087252-G-A. GRCh37 (hg19) VCF-style: chr15-90630484-G-A.
Other names: c.671C>T, p.Thr224Ile (NM_001289910.1); c.437C>T, p.Thr146Ile (NM_001290114.2); short protein forms T146I, T224I, T276I.
Identifiers: ClinVar variation 3649204 (VCV003649204.2).
Genomic context (GRCh38, chr15:90,087,252, plus strand): 5'-TGAGCCACCATGTCATCAATGAGCCGGTGCTCATACCAGATCTTATTCTTGTCGAAGTCG[G>A]TCTTATAGTGCCTGGGAGTAAAAAGGTCTGTTATGGGGAGAGGGCAGAAGGCTGACAGGT-3'
Protein context (NP_002159.2, residues 266-286): FQEIFDKHYK[Thr276Ile]DFDKNKIWYE

ClinVar aggregate classification (germline): Uncertain significance (1 of 4 stars; one submission).

Conditions:
D-2-hydroxyglutaric aciduria 2 (D2HGA2). Identifiers: Orphanet 79315, MedGen C3150909, MONDO:0013345, OMIM 613657.

Submission:

Labcorp Genetics (formerly Invitae), Labcorp
Classification: Uncertain significance for D-2-hydroxyglutaric aciduria 2. Last evaluated: 2024-04-09. Review status: criteria provided, single submitter. Criteria: Invitae Variant Classification Sherloc (09022015). Collection method: clinical testing. Allele origin: germline.
Comment: This sequence change replaces threonine, which is neutral and polar, with isoleucine, which is neutral and non-polar, at codon 276 of the IDH2 protein (p.Thr276Ile). This variant is not present in population databases (gnomAD no frequency). This variant has not been reported in the literature in individuals affected with IDH2-related conditions. Advanced modeling of protein sequence and biophysical properties (such as structural, functional, and spatial information, amino acid conservation, physicochemical variation, residue mobility, and thermodynamic stability) performed at Invitae indicates that this missense variant is not expected to disrupt IDH2 protein function with a negative predictive value of 80%. In summary, the available evidence is currently insufficient to determine the role of this variant in disease. Therefore, it has been classified as a Variant of Uncertain Significance.